The following is an entry in ClinVar:

NM_001291303.3(FAT4):c.8450G>A (p.Ser2817Asn)

Gene: FAT4 (FAT atypical cadherin 4; plus strand). Cytogenetic location: 4q28.1.
Variant type: single nucleotide variant.
Coding change: c.8450G>A on transcript NM_001291303.3 (MANE Select); coding-DNA position 8450, G replaced by A.
Protein change: p.Ser2817Asn; replaces serine 2817 with asparagine.
Molecular consequence: missense variant.
Genome position (GRCh38, 1-based): chr4:125,449,460, G>A. VCF-style: chr4-125449460-G-A. GRCh37 (hg19) VCF-style: chr4-126370615-G-A.
Other names: c.8450G>A, p.Ser2817Asn (NM_001291285.3); c.8444G>A, p.Ser2815Asn (NM_024582.6); short protein forms S2817N, S2815N.
Identifiers: ClinVar variation 2057633 (VCV002057633.4), dbSNP rs200532747, ClinGen allele CA358146173.

ClinVar aggregate classification (germline): Uncertain significance (1 of 4 stars; one submission).

Submission:

Labcorp Genetics (formerly Invitae), Labcorp
Classification: Uncertain significance. Last evaluated: 2022-07-12. Review status: criteria provided, single submitter. Criteria: Invitae Variant Classification Sherloc (09022015). Collection method: clinical testing. Allele origin: germline.
Comment: In summary, the available evidence is currently insufficient to determine the role of this variant in disease. Therefore, it has been classified as a Variant of Uncertain Significance. Advanced modeling of protein sequence and biophysical properties (such as structural, functional, and spatial information, amino acid conservation, physicochemical variation, residue mobility, and thermodynamic stability) performed at Invitae indicates that this missense variant is not expected to disrupt FAT4 protein function. This variant has not been reported in the literature in individuals affected with FAT4-related conditions. This variant is not present in population databases (gnomAD no frequency). This sequence change replaces serine, which is neutral and polar, with asparagine, which is neutral and polar, at codon 2815 of the FAT4 protein (p.Ser2815Asn).